The following is an entry in ClinVar:

NM_033022.4(RPS24):c.4-6T>A

Gene: RPS24 (ribosomal protein S24; plus strand). Cytogenetic location: 10q22.3.
Variant type: single nucleotide variant.
Coding change: c.4-6T>A on transcript NM_033022.4 (MANE Select); 6 bases into the intron before coding-DNA position 4, T replaced by A.
Molecular consequence: intron variant.
Genome position (GRCh38, 1-based): chr10:78,035,346, T>A. VCF-style: chr10-78035346-T-A. GRCh37 (hg19) VCF-style: chr10-79795104-T-A.
Other names: c.4-6T>A (NM_001142285.2, NM_001142283.2, NM_001142282.2 and 2 more transcripts).
Identifiers: ClinVar variation 4691423 (VCV004691423.1).

ClinVar aggregate classification (germline): Uncertain significance (1 of 4 stars; one submission).

Conditions:
Diamond-Blackfan anemia. Also called: Blackfan Diamond syndrome; Aregenerative anemia chronic congenital; Red cell aplasia, pure hereditary; Congenital hypoplastic anemia; Aase syndrome. Identifiers: Orphanet 124, MedGen C1260899, MeSH D029503, MONDO:0015253, HP:0004810.

gnomAD v4.1: 2 of 1,613,748 alleles (0.00012%); highest among the groups gnomAD compares: Non-Finnish European, 0.00017%; no homozygotes.

Submission:

Labcorp Genetics (formerly Invitae), Labcorp
Classification: Uncertain significance for Diamond-Blackfan anemia. Last evaluated: 2026-01-20. Review status: criteria provided, single submitter. Criteria: Invitae Variant Classification Sherloc (09022015). Collection method: clinical testing. Allele origin: germline.
Comment: This sequence change falls in intron 1 of the RPS24 gene. It does not directly change the encoded amino acid sequence of the RPS24 protein. This variant is not present in population databases (gnomAD no frequency). This variant has not been reported in the literature in individuals affected with RPS24-related conditions. Algorithms developed to predict the effect of sequence changes on RNA splicing suggest that this variant may disrupt the consensus splice site. In summary, the available evidence is currently insufficient to determine the role of this variant in disease. Therefore, it has been classified as a Variant of Uncertain Significance.